The following is an entry in ClinVar:

NM_000443.4(ABCB4):c.303G>A (p.Ser101=)

Gene: ABCB4 (ATP binding cassette subfamily B member 4; minus strand). Cytogenetic location: 7q21.12.
Variant type: single nucleotide variant.
Coding change: c.303G>A on transcript NM_000443.4 (MANE Select); coding-DNA position 303, G replaced by A.
Protein change: p.Ser101=; no amino-acid change (serine 101 retained).
Molecular consequence: synonymous variant.
Genome position (GRCh38, 1-based): chr7:87,454,576, C>T on the plus strand (G>A on the coding strand, the complement: ABCB4 is on the minus strand). VCF-style: chr7-87454576-C-T. GRCh37 (hg19) VCF-style: chr7-87083892-C-T.
Other names: c.303G>A (NM_000443.3); c.303G>A, p.Ser101= (NM_018849.3, NM_018850.3).
Identifiers: ClinVar variation 291098 (VCV000291098.10), dbSNP rs886044650, ClinGen allele CA10607017.

ClinVar aggregate classification (germline): Conflicting classifications of pathogenicity. Review status: criteria provided, conflicting classifications (1 of 4 stars). 3 submissions from 3 submitters: Uncertain significance (1); Likely benign (1). 1 of the submissions does not count toward it. Last evaluated 2024-10-21.

Conditions:
ABCB4-related disorder. Also called: ABCB4-related disorders; ABCB4-related condition.

gnomAD v4.1: 2 of 1,610,506 alleles (0.00012%); highest among the groups gnomAD compares: South Asian, 0.0011%; no homozygotes.

Submissions (3):

Labcorp Genetics (formerly Invitae), Labcorp
Classification: Likely benign. Last evaluated: 2024-10-21. Review status: criteria provided, single submitter. Criteria: Invitae Variant Classification Sherloc (09022015). Collection method: clinical testing. Allele origin: germline.

Eurofins Ntd Llc (ga)
Classification: Uncertain significance. Last evaluated: 2017-11-15. Review status: criteria provided, single submitter. Criteria: EGL Classification Definitions 2015. Collection method: clinical testing. Allele origin: germline. Observed: 2 variant alleles, 2 heterozygotes.

PreventionGenetics, part of Exact Sciences
Classification: Likely benign for ABCB4-related condition. Last evaluated: 2021-04-01. Review status: no assertion criteria provided. Collection method: clinical testing. Allele origin: germline. Not counted in ClinVar's aggregate classification.
Comment: This variant is classified as likely benign based on ACMG/AMP sequence variant interpretation guidelines (Richards et al. 2015 PMID: 25741868, with internal and published modifications).